The following is an entry in ClinVar:

NM_020859.4(SHROOM3):c.323+1G>A

Gene: SHROOM3 (shroom family member 3; plus strand). Cytogenetic location: 4q21.1.
Variant type: single nucleotide variant.
Coding change: c.323+1G>A on transcript NM_020859.4 (MANE Select); the canonical splice donor site of the intron after coding-DNA position 323, G replaced by A.
Molecular consequence: splice donor variant.
Genome position (GRCh38, 1-based): chr4:76,555,764, G>A. VCF-style: chr4-76555764-G-A. GRCh37 (hg19) VCF-style: chr4-77476917-G-A.
Identifiers: ClinVar variation 4880999 (VCV004880999.2).

ClinVar aggregate classification (germline): Uncertain significance (1 of 4 stars; one submission).

Conditions:
Neural tube defect (NTD). Also called: Neural tube defects. Identifiers: Orphanet 3388, Orphanet 823, MedGen C0027794, MONDO:0018075, HP:0045005.

gnomAD v4.1: 1 of 1,611,906 alleles (0.000062%); highest among the groups gnomAD compares: Non-Finnish European, 0.000085%; no homozygotes.

Submission:

Dasa
Classification: Uncertain significance for neural tube defect. Last evaluated: 2025-12-20. Review status: criteria provided, single submitter. Criteria: DASA Assertion Criteria. Collection method: clinical testing. Allele origin: germline.
Comment: NM_020859.4(SHROOM3):c.323+1G>A affects a canonical splice site and is predicted to disrupt normal RNA splicing. This variant is rare in population databases. The currently available literature and clinical evidence are not sufficient to establish a definitive association between this variant and the reported condition. Therefore, this variant is classified as a variant of uncertain significance.